The following is an entry in ClinVar:

NM_000096.4(CP):c.2269C>A (p.His757Asn)

Gene: CP (ceruloplasmin; minus strand). Cytogenetic location: 3q24.
Variant type: single nucleotide variant.
Coding change: c.2269C>A on transcript NM_000096.4 (MANE Select); coding-DNA position 2269, C replaced by A.
Protein change: p.His757Asn; replaces histidine 757 with asparagine.
Molecular consequence: missense variant. On other transcripts: non-coding transcript variant (1).
Genome position (GRCh38, 1-based): chr3:149,185,255, G>T on the plus strand (C>A on the coding strand, the complement: CP is on the minus strand). VCF-style: chr3-149185255-G-T. GRCh37 (hg19) VCF-style: chr3-148903042-G-T.
Other names: short protein forms H757N.
Identifiers: ClinVar variation 1702643 (VCV001702643.3), dbSNP rs761993983, ClinGen allele CA2660807.
Genomic context (GRCh38, chr3:149,185,255, plus strand): 5'-CTAAAATTACTGCTGAAATTGGGAATCAGAGTCTGGAGAATTACTTCTGCTCTTGTAAAT[G>T]ATGCAGCTCCTTTTCCCACTCCCTTTGTGGGGAATAATCCCATTCCACCTCCACTGCTGC-3'
Protein context (NP_000087.2, residues 747-767): PQREWEKELH[His757Asn]LQEQNVSNAF

ClinVar aggregate classification (germline): Uncertain significance (1 of 4 stars; one submission).

Allele frequency attached by ClinVar (database versions not stated): gnomAD exomes 0.00002 and 0.00001; ExAC 0.00001.
gnomAD v4.1: 11 of 1,612,682 alleles (0.00068%); highest among the groups gnomAD compares: Non-Finnish European, 0.00085%; no homozygotes.

Submission:

GeneDx
Classification: Uncertain significance. Last evaluated: 2024-10-31. Review status: criteria provided, single submitter. Criteria: GeneDx Variant Classification Process June 2021. Collection method: clinical testing. Allele origin: germline.
Comment: Not observed at significant frequency in large population cohorts (gnomAD); In silico analysis indicates that this missense variant does not alter protein structure/function; Has not been previously published as pathogenic or benign to our knowledge